The following is an entry in ClinVar:

NM_201384.3(PLEC):c.1318C>T (p.Arg440Trp)

Gene: PLEC (plectin; minus strand). Cytogenetic location: 8q24.3.
Variant type: single nucleotide variant.
Coding change: c.1318C>T on transcript NM_201384.3 (MANE Select); coding-DNA position 1318, C replaced by T.
Protein change: p.Arg440Trp; replaces arginine 440 with tryptophan.
Molecular consequence: missense variant.
Genome position (GRCh38, 1-based): chr8:143,933,297, G>A on the plus strand (C>T on the coding strand, the complement: PLEC is on the minus strand). VCF-style: chr8-143933297-G-A. GRCh37 (hg19) VCF-style: chr8-145007465-G-A.
Other names: c.1399C>T, p.Arg467Trp (NM_000445.5, NM_001410941.1); c.1276C>T, p.Arg426Trp (NM_201378.4); c.1252C>T, p.Arg418Trp (NM_201379.3); c.1729C>T, p.Arg577Trp (NM_201380.4); c.1222C>T, p.Arg408Trp (NM_201381.3); c.1318C>T, p.Arg440Trp (NM_201382.4); c.1330C>T, p.Arg444Trp (NM_201383.3); c.1399C>T (NM_000445.3); short protein forms R440W, R408W, R418W, R467W, R426W, R444W, R577W.
Identifiers: ClinVar variation 2042502 (VCV002042502.7), dbSNP rs782622390, ClinGen allele CA4928018.
Genomic context (GRCh38, chr8:143,933,297, plus strand): 5'-TGAGGGTCTGCACGTCGTTGAAGAGCAGCCGGATCATGCTATCCGCCTTGTCCAAGTCCC[G>A]TTCCACCTCCCCCGCCCGCTGTGGCACTTTGCCTGCAGCCAGCAGCCGGACATCCTGCAA-3'
Protein context (NP_958786.1, residues 430-450): KVPQRAGEVE[Arg440Trp]DLDKADSMIR

ClinVar aggregate classification (germline): Uncertain significance. Review status: criteria provided, multiple submitters, no conflicts (2 of 4 stars). 2 submissions from 2 submitters: Uncertain significance (2). Last evaluated 2025-04-29.

Conditions:
Inborn genetic diseases. Identifiers: MedGen C0950123, MeSH D030342.
Epidermolysis bullosa simplex 5B, with muscular dystrophy (EBS5B). Also called: Epidermolysis bullosa simplex with muscular dystrophy; EPIDERMOLYSIS BULLOSA SIMPLEX AND LIMB-GIRDLE MUSCULAR DYSTROPHY. Identifiers: Orphanet 257, MedGen C2931072, MONDO:0009181, OMIM 226670.
Epidermolysis bullosa simplex, Ogna type (EBS5A). Also called: Pidermolysis bullosa simplex 5A, Ogna type; EPIDERMOLYSIS BULLOSA SIMPLEX 5A, OGNA TYPE. Identifiers: Orphanet 79401, MedGen C0432317, MONDO:0007555, OMIM 131950.
Epidermolysis bullosa simplex 5C, with pyloric atresia (EBS5C). Also called: PLEC-Related Epidermolysis Bullosa with Pyloric Atresia; Epidermolysis bullosa simplex with pyloric atresia; PLEC1-Related Epidermolysis Bullosa with Pyloric Atresia. Identifiers: Orphanet 158684, MedGen C2677349, MONDO:0012807, OMIM 612138.
Autosomal recessive limb-girdle muscular dystrophy type 2Q (LGMDR17). Also called: MUSCULAR DYSTROPHY, LIMB-GIRDLE, AUTOSOMAL RECESSIVE 17. Identifiers: Orphanet 254361, MedGen C3150989, MONDO:0013390, OMIM 613723.
Epidermolysis bullosa simplex with nail dystrophy (EBS5D). Identifiers: MedGen C4225309, MONDO:0014661, OMIM 616487.

Allele frequency attached by ClinVar (database versions not stated): gnomAD exomes 0.00002; TOPMed 0.00002; gnomAD 0.00003; ExAC 0.00007.
gnomAD v4.1: 41 of 1,612,882 alleles (0.0025%); highest among the groups gnomAD compares: Middle Eastern, 0.016%; no homozygotes.

Submissions (2):

Ambry Genetics
Classification: Uncertain significance for Inborn genetic diseases. Last evaluated: 2025-04-29. Review status: criteria provided, single submitter. Criteria: Ambry Variant Classification Scheme 2023. Collection method: clinical testing. Allele origin: germline.

Labcorp Genetics (formerly Invitae), Labcorp
Classification: Uncertain significance for Autosomal recessive limb-girdle muscular dystrophy type 2Q; Epidermolysis bullosa simplex, Ogna type; Epidermolysis bullosa simplex with nail dystrophy; Epidermolysis bullosa simplex 5C, with pyloric atresia; Epidermolysis bullosa simplex 5B, with muscular dystrophy. Last evaluated: 2024-07-15. Review status: criteria provided, single submitter. Criteria: Invitae Variant Classification Sherloc (09022015). Collection method: clinical testing. Allele origin: germline.
Comment: This sequence change replaces arginine, which is basic and polar, with tryptophan, which is neutral and slightly polar, at codon 467 of the PLEC protein (p.Arg467Trp). This variant is present in population databases (rs782622390, gnomAD 0.02%). This variant has not been reported in the literature in individuals affected with PLEC-related conditions. ClinVar contains an entry for this variant (Variation ID: 2042502). Advanced modeling of protein sequence and biophysical properties (such as structural, functional, and spatial information, amino acid conservation, physicochemical variation, residue mobility, and thermodynamic stability) performed at Invitae indicates that this missense variant is not expected to disrupt PLEC protein function with a negative predictive value of 80%. In summary, the available evidence is currently insufficient to determine the role of this variant in disease. Therefore, it has been classified as a Variant of Uncertain Significance.